The following is an entry in ClinVar:

ClinVar aggregate classification (germline): Uncertain significance (1 of 4 stars; one submission).

Conditions:
Inborn genetic diseases. Identifiers: MedGen C0950123, MeSH D030342.

Submission:

Ambry Genetics
Classification: Uncertain significance for Inborn genetic diseases. Last evaluated: 2024-07-07. Review status: criteria provided, single submitter. Criteria: Ambry Variant Classification Scheme 2023. Collection method: clinical testing. Allele origin: germline.
Comment: The p.N865H variant (also known as c.2593A>C), located in coding exon 20 of the BUB1B gene, results from an A to C substitution at nucleotide position 2593. The asparagine at codon 865 is replaced by histidine, an amino acid with similar properties. This amino acid position is conserved. In addition, this alteration is predicted to be tolerated by in silico analysis. Based on the available evidence, the clinical significance of this variant remains unclear.

NM_001211.6(BUB1B):c.2593A>C (p.Asn865His)

Gene: BUB1B (BUB1 mitotic checkpoint serine/threonine kinase B; plus strand). Cytogenetic location: 15q15.1.
Variant type: single nucleotide variant.
Coding change: c.2593A>C on transcript NM_001211.6 (MANE Select); coding-DNA position 2593, A replaced by C.
Protein change: p.Asn865His; replaces asparagine 865 with histidine.
Molecular consequence: missense variant.
Genome position (GRCh38, 1-based): chr15:40,213,389, A>C. VCF-style: chr15-40213389-A-C. GRCh37 (hg19) VCF-style: chr15-40505590-A-C.
Other names: short protein forms N865H.
Identifiers: ClinVar variation 3483152 (VCV003483152.1).